The following is an entry in ClinVar:

NM_001430.5(EPAS1):c.1549A>T (p.Thr517Ser)

Gene: EPAS1 (endothelial PAS domain protein 1; plus strand). Cytogenetic location: 2p21.
Variant type: single nucleotide variant.
Coding change: c.1549A>T on transcript NM_001430.5 (MANE Select); coding-DNA position 1549, A replaced by T.
Protein change: p.Thr517Ser; replaces threonine 517 with serine.
Molecular consequence: missense variant.
Genome position (GRCh38, 1-based): chr2:46,378,762, A>T. VCF-style: chr2-46378762-A-T. GRCh37 (hg19) VCF-style: chr2-46605901-A-T.
Other names: short protein forms T517S.
Identifiers: ClinVar variation 3221559 (VCV003221559.1), dbSNP rs1286073377, ClinGen allele CA346704349.

ClinVar aggregate classification (germline): Uncertain significance (1 of 4 stars; one submission).

Conditions:
Inborn genetic diseases. Identifiers: MedGen C0950123, MeSH D030342.

Allele frequency attached by ClinVar (database versions not stated): gnomAD exomes below 0.00001; TOPMed 0.00002.

Submission:

Ambry Genetics
Classification: Uncertain significance for Inborn genetic diseases. Last evaluated: 2024-02-28. Review status: criteria provided, single submitter. Criteria: Ambry Variant Classification Scheme 2023. Collection method: clinical testing. Allele origin: germline.
Comment: The p.T517S variant (also known as c.1549A>T), located in coding exon 11 of the EPAS1 gene, results from an A to T substitution at nucleotide position 1549. The threonine at codon 517 is replaced by serine, an amino acid with similar properties. This amino acid position is conserved. In addition, this alteration is predicted to be tolerated by in silico analysis. Based on the available evidence, the clinical significance of this alteration remains unclear.